The following is an entry in ClinVar:

NM_003242.6(TGFBR2):c.613A>G (p.Lys205Glu)

Gene: TGFBR2 (transforming growth factor beta receptor 2; plus strand). Cytogenetic location: 3p24.1.
Variant type: single nucleotide variant.
Coding change: c.613A>G on transcript NM_003242.6 (MANE Select); coding-DNA position 613, A replaced by G.
Protein change: p.Lys205Glu; replaces lysine 205 with glutamic acid.
Molecular consequence: missense variant.
Genome position (GRCh38, 1-based): chr3:30,671,796, A>G. VCF-style: chr3-30671796-A-G. GRCh37 (hg19) VCF-style: chr3-30713288-A-G.
Other names: c.688A>G, p.Lys230Glu (NM_001024847.3); c.796A>G, p.Lys266Glu (NM_001407126.1); c.721A>G, p.Lys241Glu (NM_001407127.1); c.640A>G, p.Lys214Glu (NM_001407128.1); c.616A>G, p.Lys206Glu (NM_001407129.1); c.613A>G, p.Lys205Glu (NM_001407130.1); c.508A>G, p.Lys170Glu (NM_001407132.1, NM_001407133.1, NM_001407134.1 and 2 more transcripts); c.328A>G, p.Lys110Glu (NM_001407137.1); and 1 more; short protein forms K110E, K170E, K205E, K206E, K214E, K230E, K241E, K266E.
Identifiers: ClinVar variation 1717944 (VCV001717944.5), dbSNP rs2470560151, ClinGen allele CA351807484.

ClinVar aggregate classification (germline): Uncertain significance (1 of 4 stars; one submission).

Conditions:
Familial thoracic aortic aneurysm and aortic dissection (TAAD). Also called: Thoracic aortic aneurysms and dissections. Identifiers: Orphanet 91387, MedGen C4707243, MONDO:0019625.

Submission:

Labcorp Genetics (formerly Invitae), Labcorp
Classification: Uncertain significance for Familial thoracic aortic aneurysm and aortic dissection. Last evaluated: 2022-08-24. Review status: criteria provided, single submitter. Criteria: Invitae Variant Classification Sherloc (09022015). Collection method: clinical testing. Allele origin: germline.
Comment: In summary, the available evidence is currently insufficient to determine the role of this variant in disease. Therefore, it has been classified as a Variant of Uncertain Significance. Advanced modeling of protein sequence and biophysical properties (such as structural, functional, and spatial information, amino acid conservation, physicochemical variation, residue mobility, and thermodynamic stability) performed at Invitae indicates that this missense variant is not expected to disrupt TGFBR2 protein function. This variant has not been reported in the literature in individuals affected with TGFBR2-related conditions. This variant is not present in population databases (gnomAD no frequency). This sequence change replaces lysine, which is basic and polar, with glutamic acid, which is acidic and polar, at codon 205 of the TGFBR2 protein (p.Lys205Glu).